The following is an entry in ClinVar:

ClinVar aggregate classification (germline): Uncertain significance (1 of 4 stars; one submission).

Allele frequency attached by ClinVar (database versions not stated): gnomAD exomes below 0.00001; ExAC 0.00001.
gnomAD v4.1: 1 of 1,613,922 alleles (0.000062%); highest among the groups gnomAD compares: South Asian, 0.0011%; no homozygotes.

Submission:

Labcorp Genetics (formerly Invitae), Labcorp
Classification: Uncertain significance. Last evaluated: 2022-07-06. Review status: criteria provided, single submitter. Criteria: Invitae Variant Classification Sherloc (09022015). Collection method: clinical testing. Allele origin: germline.
Comment: This sequence change falls in intron 53 of the LRP2 gene. It does not directly change the encoded amino acid sequence of the LRP2 protein. It affects a nucleotide within the consensus splice site. This variant is present in population databases (rs767756977, gnomAD 0.003%). This variant has not been reported in the literature in individuals affected with LRP2-related conditions. ClinVar contains an entry for this variant (Variation ID: 1480049). Variants that disrupt the consensus splice site are a relatively common cause of aberrant splicing (PMID: 17576681, 9536098). Algorithms developed to predict the effect of sequence changes on RNA splicing suggest that this variant is not likely to affect RNA splicing. In summary, the available evidence is currently insufficient to determine the role of this variant in disease. Therefore, it has been classified as a Variant of Uncertain Significance.

Literature cited by the submitters: PubMed 17576681; PubMed 9536098.

NM_004525.3(LRP2):c.10393+3G>A

Gene: LRP2 (LDL receptor related protein 2; minus strand). Cytogenetic location: 2q31.1.
Variant type: single nucleotide variant.
Coding change: c.10393+3G>A on transcript NM_004525.3 (MANE Select); 3 bases into the intron after coding-DNA position 10393, G replaced by A.
Molecular consequence: intron variant.
Genome position (GRCh38, 1-based): chr2:169,177,800, C>T on the plus strand (G>A on the coding strand, the complement: LRP2 is on the minus strand). VCF-style: chr2-169177800-C-T. GRCh37 (hg19) VCF-style: chr2-170034310-C-T.
Identifiers: ClinVar variation 1480049 (VCV001480049.3), dbSNP rs767756977, ClinGen allele CA1953380.